The following is an entry in ClinVar:

NM_001024845.3(SLC6A9):c.1571C>T (p.Pro524Leu)

Gene: SLC6A9 (solute carrier family 6 member 9; minus strand). Cytogenetic location: 1p34.1.
Variant type: single nucleotide variant.
Coding change: c.1571C>T on transcript NM_001024845.3 (MANE Select); coding-DNA position 1571, C replaced by T.
Protein change: p.Pro524Leu; replaces proline 524 with leucine.
Molecular consequence: missense variant. On other transcripts: non-coding transcript variant (1), intron variant (1).
Genome position (GRCh38, 1-based): chr1:43,997,991, G>A on the plus strand (C>T on the coding strand, the complement: SLC6A9 is on the minus strand). VCF-style: chr1-43997991-G-A. GRCh37 (hg19) VCF-style: chr1-44463663-G-A.
Other names: c.1790C>T (NM_201649.2); c.1583C>T, p.Pro528Leu (NM_001261380.2); c.1238C>T, p.Pro413Leu (NM_001328626.2); c.1508C>T, p.Pro503Leu (NM_001328627.1); c.1376C>T, p.Pro459Leu (NM_001328628.1); c.1571C>T, p.Pro524Leu (NM_001328629.1); c.1628C>T, p.Pro543Leu (NM_006934.4); c.1790C>T, p.Pro597Leu (NM_201649.4); and 1 more; short protein forms P413L, P459L, P503L, P524L, P528L, P543L, P597L.
Identifiers: ClinVar variation 3378043 (VCV003378043.2).

ClinVar aggregate classification (germline): Uncertain significance. Review status: criteria provided, multiple submitters, no conflicts (2 of 4 stars). 2 submissions from 2 submitters: Uncertain significance (2). Last evaluated 2025-08-04.

Conditions:
Inborn genetic diseases. Identifiers: MedGen C0950123, MeSH D030342.

Submissions (2):

Ambry Genetics
Classification: Uncertain significance for Inborn genetic diseases. Last evaluated: 2025-08-04. Review status: criteria provided, single submitter. Criteria: Ambry Variant Classification Scheme 2023. Collection method: clinical testing. Allele origin: germline.

GeneDx
Classification: Uncertain significance. Last evaluated: 2024-05-16. Review status: criteria provided, single submitter. Criteria: GeneDx Variant Classification Process June 2021. Collection method: clinical testing. Allele origin: germline. Affected: yes.
Comment: In silico analysis supports that this missense variant has a deleterious effect on protein structure/function; Has not been previously published as pathogenic or benign to our knowledge